The following is an entry in ClinVar:

ClinVar aggregate classification (germline): Uncertain significance (1 of 4 stars; one submission).

Submission:

Labcorp Genetics (formerly Invitae), Labcorp
Classification: Uncertain significance. Last evaluated: 2023-03-31. Review status: criteria provided, single submitter. Criteria: Invitae Variant Classification Sherloc (09022015). Collection method: clinical testing. Allele origin: unknown.
Comment: In summary, the available evidence is currently insufficient to determine the role of this variant in disease. Therefore, it has been classified as a Variant of Uncertain Significance. Experimental studies and prediction algorithms are not available or were not evaluated, and the functional significance of this variant is currently unknown. This variant has not been reported in the literature in individuals affected with PIBF1-related conditions. This variant is a gross deletion of the genomic region encompassing exon(s) 17 of the PIBF1 gene. This variant would be expected to be in-frame, preserving the integrity of the reading frame.

NC_000013.10:g.(?_73572940)_(73573153_?)del

Gene: PIBF1 (progesterone immunomodulatory binding factor 1; plus strand). Cytogenetic location: 13q22.1.
Variant type: Deletion.
Identifiers: ClinVar variation 3244217 (VCV003244217.1).